The following is an entry in ClinVar:

ClinVar aggregate classification (germline): Uncertain significance (1 of 4 stars; one submission).

Conditions:
Familial hemophagocytic lymphohistiocytosis 3 (FHL3). Also called: UNC13D-Related Familial Hemophagocytic Lymphohistiocytosis (UNC13D-fHLH). Identifiers: Orphanet 540, MedGen C1837174, MONDO:0012146, OMIM 608898.

gnomAD v4.1: 70 of 1,606,774 alleles (0.0044%); highest among the groups gnomAD compares: South Asian, 0.076%; 2 homozygotes.

Submission:

Labcorp Genetics (formerly Invitae), Labcorp
Classification: Uncertain significance for Familial hemophagocytic lymphohistiocytosis 3. Last evaluated: 2024-10-02. Review status: criteria provided, single submitter. Criteria: Invitae Variant Classification Sherloc (09022015). Collection method: clinical testing. Allele origin: germline.
Comment: This sequence change replaces valine, which is neutral and non-polar, with leucine, which is neutral and non-polar, at codon 1003 of the UNC13D protein (p.Val1003Leu). This variant is present in population databases (rs200462004, gnomAD 0.06%). This variant has not been reported in the literature in individuals affected with UNC13D-related conditions. Invitae Evidence Modeling of protein sequence and biophysical properties (such as structural, functional, and spatial information, amino acid conservation, physicochemical variation, residue mobility, and thermodynamic stability) indicates that this missense variant is not expected to disrupt UNC13D protein function with a negative predictive value of 80%. In summary, the available evidence is currently insufficient to determine the role of this variant in disease. Therefore, it has been classified as a Variant of Uncertain Significance.

NM_199242.3(UNC13D):c.3007G>C (p.Val1003Leu)

Gene: UNC13D (unc-13 homolog D; minus strand). Cytogenetic location: 17q25.1.
Variant type: single nucleotide variant.
Coding change: c.3007G>C on transcript NM_199242.3 (MANE Select); coding-DNA position 3007, G replaced by C.
Protein change: p.Val1003Leu; replaces valine 1003 with leucine.
Molecular consequence: missense variant.
Genome position (GRCh38, 1-based): chr17:75,828,931, C>G on the plus strand (G>C on the coding strand, the complement: UNC13D is on the minus strand). VCF-style: chr17-75828931-C-G. GRCh37 (hg19) VCF-style: chr17-73825012-C-G.
Other names: short protein forms V1003L.
Identifiers: ClinVar variation 3704271 (VCV003704271.1).